The following is an entry in ClinVar:

NM_000535.7(PMS2):c.2263A>G (p.Ile755Val)

Gene: PMS2 (PMS1 homolog 2, mismatch repair system component; minus strand). Cytogenetic location: 7p22.1.
Variant type: single nucleotide variant.
Coding change: c.2263A>G on transcript NM_000535.7 (MANE Select); coding-DNA position 2263, A replaced by G.
Protein change: p.Ile755Val; replaces isoleucine 755 with valine.
Molecular consequence: missense variant. On other transcripts: non-coding transcript variant (1), intron variant (2).
Genome position (GRCh38, 1-based): chr7:5,978,608, T>C on the plus strand (A>G on the coding strand, the complement: PMS2 is on the minus strand). VCF-style: chr7-5978608-T-C. GRCh37 (hg19) VCF-style: chr7-6018239-T-C.
Other names: c.1954A>G, p.Ile652Val (NM_001406882.1, NM_001322015.2, NM_001406875.1 and 5 more transcripts); c.1945A>G, p.Ile649Val (NM_001406883.1, NM_001322007.2, NM_001322008.2 and 1 more transcripts); c.1858A>G, p.Ile620Val (NM_001406894.1, NM_001406895.1, NM_001406896.1 and 14 more transcripts); c.1798A>G, p.Ile600Val (NM_001406900.1); c.1789A>G, p.Ile597Val (NM_001406901.1, NM_001406902.1); c.1750A>G, p.Ile584Val (NM_001406905.1, NM_001406904.1); c.1702A>G, p.Ile568Val (NM_001406907.1, NM_001406906.1, NM_001322010.2); c.1777A>G, p.Ile593Val (NM_001406903.1); and 16 more; short protein forms I498V, I597V, I600V, I719V, I817V, I444V, I564V, I584V.
Identifiers: ClinVar variation 4140488 (VCV004140488.1).

ClinVar aggregate classification (germline): Uncertain significance (1 of 4 stars; one submission).

Conditions:
Hereditary cancer-predisposing syndrome. Also called: Hereditary neoplastic syndrome; Neoplastic Syndromes, Hereditary; Tumor predisposition; Hereditary Cancer Syndrome. Identifiers: Orphanet 140162, MedGen C0027672, MeSH D009386, MONDO:0015356.

Submission:

Ambry Genetics
Classification: Uncertain significance for Hereditary cancer-predisposing syndrome. Last evaluated: 2025-07-15. Review status: criteria provided, single submitter. Criteria: Ambry Variant Classification Scheme 2023. Collection method: clinical testing. Allele origin: germline.
Comment: The p.I755V variant (also known as c.2263A>G), located in coding exon 13 of the PMS2 gene, results from an A to G substitution at nucleotide position 2263. The isoleucine at codon 755 is replaced by valine, an amino acid with highly similar properties. This amino acid position is well conserved in available vertebrate species. In addition, this alteration is predicted to be tolerated by in silico analysis. Based on the available evidence, the clinical significance of this variant remains unclear.